The following is an entry in ClinVar:

ClinVar aggregate classification (germline): Uncertain significance (1 of 4 stars; one submission).

Conditions:
Tuberous sclerosis 1 (TSC1). Identifiers: Orphanet 805, MedGen C1854465, MONDO:0008612, OMIM 191100.

Allele frequency attached by ClinVar (database versions not stated): gnomAD exomes below 0.00001.
gnomAD v4.1: 1 of 1,568,444 alleles (0.000064%); highest among the groups gnomAD compares: Non-Finnish European, 0.000086%; no homozygotes.

Submission:

Labcorp Genetics (formerly Invitae), Labcorp
Classification: Uncertain significance for Tuberous sclerosis 1. Last evaluated: 2024-09-23. Review status: criteria provided, single submitter. Criteria: Invitae Variant Classification Sherloc (09022015). Collection method: clinical testing. Allele origin: germline.
Comment: This sequence change replaces methionine, which is neutral and non-polar, with threonine, which is neutral and polar, at codon 880 of the TSC1 protein (p.Met880Thr). This variant is not present in population databases (gnomAD no frequency). This variant has not been reported in the literature in individuals affected with TSC1-related conditions. ClinVar contains an entry for this variant (Variation ID: 1949490). Invitae Evidence Modeling of protein sequence and biophysical properties (such as structural, functional, and spatial information, amino acid conservation, physicochemical variation, residue mobility, and thermodynamic stability) indicates that this missense variant is not expected to disrupt TSC1 protein function with a negative predictive value of 95%. In summary, the available evidence is currently insufficient to determine the role of this variant in disease. Therefore, it has been classified as a Variant of Uncertain Significance.

NM_000368.5(TSC1):c.2639T>C (p.Met880Thr)

Gene: TSC1 (TSC complex subunit 1; minus strand). Cytogenetic location: 9q34.13.
Variant type: single nucleotide variant.
Coding change: c.2639T>C on transcript NM_000368.5 (MANE Select); coding-DNA position 2639, T replaced by C.
Protein change: p.Met880Thr; replaces methionine 880 with threonine.
Molecular consequence: missense variant.
Genome position (GRCh38, 1-based): chr9:132,897,597, A>G on the plus strand (T>C on the coding strand, the complement: TSC1 is on the minus strand). VCF-style: chr9-132897597-A-G. GRCh37 (hg19) VCF-style: chr9-135772984-A-G.
Other names: c.2636T>C, p.Met879Thr (NM_001406599.1, NM_001406600.1, NM_001162426.2 and 2 more transcripts); c.2624T>C, p.Met875Thr (NM_001406601.1, NM_001406602.1); c.2621T>C, p.Met874Thr (NM_001406603.1, NM_001406604.1); c.2597T>C, p.Met866Thr (NM_001406605.1, NM_001406606.1, NM_001406607.1); c.2594T>C, p.Met865Thr (NM_001406608.1, NM_001406609.1); c.2276T>C, p.Met759Thr (NM_001406618.1, NM_001406619.1, NM_001362177.2 and 4 more transcripts); c.2273T>C, p.Met758Thr (NM_001406620.1, NM_001406621.1, NM_001406622.1 and 1 more transcripts); c.2234T>C, p.Met745Thr (NM_001406624.1); and 8 more; short protein forms M562T, M759T, M828T, M865T, M744T, M829T, M880T, M529T.
Identifiers: ClinVar variation 1949490 (VCV001949490.5), dbSNP rs1845154041, ClinGen allele CA375369678.